The following is an entry in ClinVar:

ClinVar aggregate classification (germline): Uncertain significance. Review status: criteria provided, multiple submitters, no conflicts (2 of 4 stars). 2 submissions from 2 submitters: Uncertain significance (2). Last evaluated 2025-03-02.

Allele frequency attached by ClinVar (database versions not stated): gnomAD 0.00003; TOPMed 0.00007; gnomAD exomes below 0.00001; ExAC 0.00004; ESP Exome Variant Server 0.00015.
gnomAD v4.1: 8 of 1,612,872 alleles (0.0005%); highest among the groups gnomAD compares: African/African-American, 0.011%; no homozygotes.

Submissions (2):

Dasa
Classification: Uncertain significance. Last evaluated: 2025-03-02. Review status: criteria provided, single submitter. Criteria: DASA Assertion Criteria. Collection method: clinical testing. Allele origin: germline.
Comment: NM_033109.5(PNPT1):c.448A>G (p.Thr150Ala) is a missense variant that results in the substitution of threonine with alanine. This variant has been reported in individuals with PNPT1-related disorders (PMID: 35303589). Also, this variant is rare in population databases. The currently available literature and clinical evidence are not sufficient to establish a definitive association between this variant and the reported condition. Therefore, this variant is classified as a variant of uncertain significance.

Labcorp Genetics (formerly Invitae), Labcorp
Classification: Uncertain significance. Last evaluated: 2024-10-24. Review status: criteria provided, single submitter. Criteria: Invitae Variant Classification Sherloc (09022015). Collection method: clinical testing. Allele origin: germline.
Comment: This sequence change replaces threonine, which is neutral and polar, with alanine, which is neutral and non-polar, at codon 150 of the PNPT1 protein (p.Thr150Ala). This variant is present in population databases (rs142364070, gnomAD 0.02%). This missense change has been observed in individual(s) with clinical features of PNPT1-related conditions (PMID: 35303589). ClinVar contains an entry for this variant (Variation ID: 1910629). Invitae Evidence Modeling of protein sequence and biophysical properties (such as structural, functional, and spatial information, amino acid conservation, physicochemical variation, residue mobility, and thermodynamic stability) has been performed for this missense variant. However, the output from this modeling did not meet the statistical confidence thresholds required to predict the impact of this variant on PNPT1 protein function. In summary, the available evidence is currently insufficient to determine the role of this variant in disease. Therefore, it has been classified as a Variant of Uncertain Significance.

Literature cited by the submitters: PubMed 35303589 (cited by Dasa and Labcorp Genetics (formerly Invitae), Labcorp).

NM_033109.5(PNPT1):c.448A>G (p.Thr150Ala)

Gene: PNPT1 (polyribonucleotide nucleotidyltransferase 1; minus strand). Cytogenetic location: 2p16.1.
Variant type: single nucleotide variant.
Coding change: c.448A>G on transcript NM_033109.5 (MANE Select); coding-DNA position 448, A replaced by G.
Protein change: p.Thr150Ala; replaces threonine 150 with alanine.
Molecular consequence: missense variant.
Genome position (GRCh38, 1-based): chr2:55,683,790, T>C on the plus strand (A>G on the coding strand, the complement: PNPT1 is on the minus strand). VCF-style: chr2-55683790-T-C. GRCh37 (hg19) VCF-style: chr2-55910925-T-C.
Other names: short protein forms T150A.
Identifiers: ClinVar variation 1910629 (VCV001910629.6), dbSNP rs142364070, ClinGen allele CA1668477.